The following is an entry in ClinVar:

ClinVar aggregate classification (germline): Uncertain significance (1 of 4 stars; one submission).

Conditions:
Neuronal ceroid lipofuscinosis 1 (CLN1). Also called: CEROID LIPOFUSCINOSIS, NEURONAL, 1, VARIABLE AGE AT ONSET; PPT1-Related Neuronal Ceroid-Lipofuscinosis. Identifiers: Orphanet 228329, MedGen C1850451, MONDO:0009744, OMIM 256730.

Allele frequency attached by ClinVar (database versions not stated): gnomAD exomes 0.00002 and 0.00006; gnomAD 0.00005 and 0.00006; TOPMed 0.00006; ExAC 0.00007.
gnomAD v4.1: 44 of 1,613,838 alleles (0.0027%); highest among the groups gnomAD compares: Admixed American, 0.035%; no homozygotes.

Submission:

Labcorp Genetics (formerly Invitae), Labcorp
Classification: Uncertain significance for Neuronal ceroid lipofuscinosis 1. Last evaluated: 2022-10-24. Review status: criteria provided, single submitter. Criteria: Invitae Variant Classification Sherloc (09022015). Collection method: clinical testing. Allele origin: germline.
Comment: This sequence change replaces glutamic acid, which is acidic and polar, with lysine, which is basic and polar, at codon 59 of the PPT1 protein (p.Glu59Lys). This variant is present in population databases (rs750533343, gnomAD 0.04%). This variant has not been reported in the literature in individuals affected with PPT1-related conditions. ClinVar contains an entry for this variant (Variation ID: 206640). Advanced modeling of protein sequence and biophysical properties (such as structural, functional, and spatial information, amino acid conservation, physicochemical variation, residue mobility, and thermodynamic stability) has been performed at Invitae for this missense variant, however the output from this modeling did not meet the statistical confidence thresholds required to predict the impact of this variant on PPT1 protein function. In summary, the available evidence is currently insufficient to determine the role of this variant in disease. Therefore, it has been classified as a Variant of Uncertain Significance.

NM_000310.4(PPT1):c.175G>A (p.Glu59Lys)

Gene: PPT1 (palmitoyl-protein thioesterase 1; minus strand). Cytogenetic location: 1p34.2.
Variant type: single nucleotide variant.
Coding change: c.175G>A on transcript NM_000310.4 (MANE Select); coding-DNA position 175, G replaced by A.
Protein change: p.Glu59Lys; replaces glutamic acid 59 with lysine.
Molecular consequence: missense variant. On other transcripts: intron variant (1).
Genome position (GRCh38, 1-based): chr1:40,092,457, C>T on the plus strand (G>A on the coding strand, the complement: PPT1 is on the minus strand). VCF-style: chr1-40092457-C-T. GRCh37 (hg19) VCF-style: chr1-40558129-C-T.
Other names: c.175G>A, p.Glu59Lys (NM_001363695.2); c.125-2945G>A (NM_001142604.2); short protein forms E59K.
Identifiers: ClinVar variation 206640 (VCV000206640.6), dbSNP rs750533343, ClinGen allele CA316919.